The following is an entry in ClinVar:

ClinVar aggregate classification (germline): Likely benign (1 of 4 stars; one submission).

gnomAD v4.1: 21 of 1,613,874 alleles (0.0013%); highest among the groups gnomAD compares: South Asian, 0.021%; no homozygotes.

Submission:

CeGaT Center for Human Genetics Tuebingen
Classification: Likely benign. Last evaluated: 2025-10-01. Review status: criteria provided, single submitter. Criteria: CeGaT Center For Human Genetics Tuebingen Variant Classification Criteria Version 2. Collection method: clinical testing. Allele origin: germline. Affected: yes. Observed: 1 variant allele.
Comment: ARID2: BP4, BP7

NM_152641.4(ARID2):c.5233A>C (p.Arg1745=)

Gene: ARID2 (AT-rich interaction domain 2; plus strand). Cytogenetic location: 12q12.
Variant type: single nucleotide variant.
Coding change: c.5233A>C on transcript NM_152641.4 (MANE Select); coding-DNA position 5233, A replaced by C.
Protein change: p.Arg1745=; no amino-acid change (arginine 1745 retained).
Molecular consequence: synonymous variant.
Genome position (GRCh38, 1-based): chr12:45,893,505, A>C. VCF-style: chr12-45893505-A-C. GRCh37 (hg19) VCF-style: chr12-46287288-A-C.
Other names: c.5233A>C, p.Arg1745= (NM_001347839.2).
Identifiers: ClinVar variation 4534127 (VCV004534127.6).
Genomic context (GRCh38, chr12:45,893,505, plus strand): 5'-TCAACTCCTAGAGCACAAAAGGCCATTGTGAATCATCCCAGTGCTGCACTTATGGCTCTG[A>C]GGAGAGGATCAAGAAACCTTGTCTTTCGAGATTTTACAGTAAGCATGCCTTGAAACCCTT-3'
Protein context (NP_689854.2, residues 1735-1755): NHPSAALMAL[Arg1745=]RGSRNLVFRD